The following is an entry in ClinVar:

ClinVar aggregate classification (germline): Uncertain significance (1 of 4 stars; one submission).

Submission:

Labcorp Genetics (formerly Invitae), Labcorp
Classification: Uncertain significance. Last evaluated: 2025-09-02. Review status: criteria provided, single submitter. Criteria: Invitae Variant Classification Sherloc (09022015). Collection method: clinical testing. Allele origin: germline.
Comment: This sequence change replaces histidine, which is basic and polar, with glutamine, which is neutral and polar, at codon 137 of the CAPN1 protein (p.His137Gln). This variant is not present in population databases (gnomAD no frequency). This variant has not been reported in the literature in individuals affected with CAPN1-related conditions. ClinVar contains an entry for this variant (Variation ID: 2781288). Invitae Evidence Modeling of protein sequence and biophysical properties (such as structural, functional, and spatial information, amino acid conservation, physicochemical variation, residue mobility, and thermodynamic stability) indicates that this missense variant is not expected to disrupt CAPN1 protein function with a negative predictive value of 80%. In summary, the available evidence is currently insufficient to determine the role of this variant in disease. Therefore, it has been classified as a Variant of Uncertain Significance.

NM_005186.4(CAPN1):c.411C>G (p.His137Gln)

Gene: CAPN1 (calpain 1; plus strand). Cytogenetic location: 11q13.1.
Variant type: single nucleotide variant.
Coding change: c.411C>G on transcript NM_005186.4 (MANE Select); coding-DNA position 411, C replaced by G.
Protein change: p.His137Gln; replaces histidine 137 with glutamine.
Molecular consequence: missense variant. On other transcripts: non-coding transcript variant (1).
Genome position (GRCh38, 1-based): chr11:65,183,547, C>G. VCF-style: chr11-65183547-C-G. GRCh37 (hg19) VCF-style: chr11-64951018-C-G.
Other names: c.411C>G, p.His137Gln (NM_001198868.2, NM_001198869.2); c.249C>G, p.His83Gln (NM_001198870.1); short protein forms H83Q, H137Q.
Identifiers: ClinVar variation 2781288 (VCV002781288.3), dbSNP rs539922683, ClinGen allele CA381241991.
Genomic context (GRCh38, chr11:65,183,547, plus strand): 5'-CTTGGCGGCCATCGCCTCCCTCACTCTCAACGACACCCTCCTGCACCGAGTGGTTCCGCA[C>G]GGCCAGAGCTTCCAGAATGGCTATGCCGGCATCTTCCATTTCCAGGTGAGGGCTCCCCTG-3'
Protein context (NP_005177.2, residues 127-147): NDTLLHRVVP[His137Gln]GQSFQNGYAG